The following is an entry in ClinVar:

NM_001039660.2(IL18BP):c.481C>T (p.Arg161Cys)

Gene: IL18BP (interleukin 18 binding protein; plus strand). Cytogenetic location: 11q13.4.
Variant type: single nucleotide variant.
Coding change: c.481C>T on transcript NM_001039660.2 (MANE Select); coding-DNA position 481, C replaced by T.
Protein change: p.Arg161Cys; replaces arginine 161 with cysteine.
Molecular consequence: missense variant. On other transcripts: intron variant (2).
Genome position (GRCh38, 1-based): chr11:72,001,526, C>T. VCF-style: chr11-72001526-C-T. GRCh37 (hg19) VCF-style: chr11-71712572-C-T.
Other names: c.481C>T, p.Arg161Cys (NM_001039659.2, NM_001145057.1, NM_005699.3 and 1 more transcripts); c.379+102C>T (NM_173044.3); c.236-258C>T (NM_001145055.1); short protein forms R161C.
Identifiers: ClinVar variation 2856813 (VCV002856813.3), dbSNP rs1332642049, ClinGen allele CA381723928.
Genomic context (GRCh38, chr11:72,001,526, plus strand): 5'-CCTGCCCTGCACAGCACCAACTTCTCCTGTGTGCTCGTGGACCCTGAACAGGTTGTCCAG[C>T]GTCACGTCGTCCTGGCCCAGCTCTGGGTGAGGAGCCCAAGGAGAGGCCTCCAGGAACAGG-3'
Protein context (NP_001034749.1, residues 151-171): VLVDPEQVVQ[Arg161Cys]HVVLAQLWAG

ClinVar aggregate classification (germline): Uncertain significance (1 of 4 stars; one submission).

Allele frequency attached by ClinVar (database versions not stated): TOPMed below 0.00001; gnomAD exomes 0.00001.

Submission:

Labcorp Genetics (formerly Invitae), Labcorp
Classification: Uncertain significance. Last evaluated: 2023-11-20. Review status: criteria provided, single submitter. Criteria: Invitae Variant Classification Sherloc (09022015). Collection method: clinical testing. Allele origin: germline.
Comment: This sequence change replaces arginine, which is basic and polar, with cysteine, which is neutral and slightly polar, at codon 161 of the IL18BP protein (p.Arg161Cys). This variant is present in population databases (no rsID available, gnomAD 0.04%). This variant has not been reported in the literature in individuals affected with IL18BP-related conditions. An algorithm developed to predict the effect of missense changes on protein structure and function (PolyPhen-2) suggests that this variant is likely to be tolerated. In summary, the available evidence is currently insufficient to determine the role of this variant in disease. Therefore, it has been classified as a Variant of Uncertain Significance.